The following is an entry in ClinVar:

NM_207361.6(FREM2):c.837G>A (p.Trp279Ter)

Gene: FREM2 (FRAS1 related extracellular matrix 2; plus strand). Cytogenetic location: 13q13.3.
Variant type: single nucleotide variant.
Coding change: c.837G>A on transcript NM_207361.6 (MANE Select); coding-DNA position 837, G replaced by A.
Protein change: p.Trp279Ter; replaces tryptophan 279 with a stop codon.
Molecular consequence: nonsense.
Genome position (GRCh38, 1-based): chr13:38,688,181, G>A. VCF-style: chr13-38688181-G-A. GRCh37 (hg19) VCF-style: chr13-39262318-G-A.
Other names: short protein forms W279*.
Identifiers: ClinVar variation 2760291 (VCV002760291.3), dbSNP rs2541350517, ClinGen allele CA387883032.
Genomic context (GRCh38, chr13:38,688,181, plus strand): 5'-CCAGGAACTAGGCGTGCGCTATCGCCACACAGCCGCCAGTCGCTCACCAAACAGGGACTG[G>A]ATACCCATGGTGGTGGAGCTGCGTTCACGAGGGGCTCCTGTGGGCAGCCCTGCTTTGAAA-3'

ClinVar aggregate classification (germline): Pathogenic (1 of 4 stars; one submission).

Allele frequency attached by ClinVar (database versions not stated): gnomAD exomes below 0.00001.
gnomAD v4.1: 1 of 1,613,612 alleles (0.000062%); highest among the groups gnomAD compares: African/African-American, 0.0013%; no homozygotes.

Submission:

Labcorp Genetics (formerly Invitae), Labcorp
Classification: Pathogenic. Last evaluated: 2023-09-12. Review status: criteria provided, single submitter. Criteria: Invitae Variant Classification Sherloc (09022015). Collection method: clinical testing. Allele origin: germline.
Comment: This sequence change creates a premature translational stop signal (p.Trp279*) in the FREM2 gene. It is expected to result in an absent or disrupted protein product. Loss-of-function variants in FREM2 are known to be pathogenic (PMID: 18203166, 26552811). This variant is not present in population databases (gnomAD no frequency). This variant has not been reported in the literature in individuals affected with FREM2-related conditions. For these reasons, this variant has been classified as Pathogenic.

Literature cited by the submitters: PubMed 18203166; PubMed 26552811.